The following is an entry in ClinVar:

ClinVar aggregate classification (germline): Uncertain significance. Review status: criteria provided, multiple submitters, no conflicts (2 of 4 stars). 3 submissions from 3 submitters: Uncertain significance (3). Last evaluated 2025-10-10.

Conditions:
Aicardi-Goutieres syndrome 7 (AGS7). Identifiers: Orphanet 51, MedGen C3888244, MONDO:0014367, OMIM 615846.
Singleton-Merten syndrome 1 (SGMRT1). Also called: Widened medullary cavities of bone, aortic calcification, abnormal dentition, and muscular weakness; Syndrome of widened medullary cavities of the metacarpals and phalanges, aortic calcification and abnormal dentition. Identifiers: Orphanet 85191, MedGen C4225427, MONDO:0024535, OMIM 182250.
Inborn genetic diseases. Identifiers: MedGen C0950123, MeSH D030342.

Allele frequency attached by ClinVar (database versions not stated): ExAC 0.00001; gnomAD exomes 0.00001; TOPMed 0.00004.
gnomAD v4.1: 3 of 1,611,692 alleles (0.00019%); highest among the groups gnomAD compares: East Asian, 0.0067%; no homozygotes.

Submissions (3):

Labcorp Genetics (formerly Invitae), Labcorp
Classification: Uncertain significance for Aicardi-Goutieres syndrome 7; Singleton-Merten syndrome 1. Last evaluated: 2025-10-10. Review status: criteria provided, single submitter. Criteria: Invitae Variant Classification Sherloc (09022015). Collection method: clinical testing. Allele origin: germline.
Comment: This sequence change replaces glutamic acid, which is acidic and polar, with glycine, which is neutral and non-polar, at codon 697 of the IFIH1 protein (p.Glu697Gly). This variant is present in population databases (rs775545790, gnomAD 0.01%). This variant has not been reported in the literature in individuals affected with IFIH1-related conditions. ClinVar contains an entry for this variant (Variation ID: 1370603). Invitae Evidence Modeling incorporating data from in vitro experimental studies (internal data) indicates that this missense variant is not expected to disrupt IFIH1 function with a negative predictive value of 95%. In summary, the available evidence is currently insufficient to determine the role of this variant in disease. Therefore, it has been classified as a Variant of Uncertain Significance.

Ambry Genetics
Classification: Uncertain significance for Inborn genetic diseases. Last evaluated: 2024-10-21. Review status: criteria provided, single submitter. Criteria: Ambry Variant Classification Scheme 2023. Collection method: clinical testing. Allele origin: germline.

Blueprint Genetics
Classification: Uncertain significance. Last evaluated: 2019-01-14. Review status: criteria provided, single submitter. Criteria: ACMG Guidelines, 2015. Collection method: clinical testing. Allele origin: germline.

NM_022168.4(IFIH1):c.2090A>G (p.Glu697Gly)

Gene: IFIH1 (interferon induced with helicase C domain 1; minus strand). Cytogenetic location: 2q24.2.
Variant type: single nucleotide variant.
Coding change: c.2090A>G on transcript NM_022168.4 (MANE Select); coding-DNA position 2090, A replaced by G.
Protein change: p.Glu697Gly; replaces glutamic acid 697 with glycine.
Molecular consequence: missense variant.
Genome position (GRCh38, 1-based): chr2:162,276,901, T>C on the plus strand (A>G on the coding strand, the complement: IFIH1 is on the minus strand). VCF-style: chr2-162276901-T-C. GRCh37 (hg19) VCF-style: chr2-163133411-T-C.
Other names: c.2090A>G (NM_022168.2); short protein forms E697G.
Identifiers: ClinVar variation 1370603 (VCV001370603.9), dbSNP rs775545790, ClinGen allele CA1934293.